The following is an entry in ClinVar:

NM_003482.4(KMT2D):c.1258+5G>C

Gene: KMT2D (lysine methyltransferase 2D; minus strand). Cytogenetic location: 12q13.12.
Variant type: single nucleotide variant.
Coding change: c.1258+5G>C on transcript NM_003482.4 (MANE Select); 5 bases into the intron after coding-DNA position 1258, G replaced by C.
Molecular consequence: intron variant.
Genome position (GRCh38, 1-based): chr12:49,052,559, C>G on the plus strand (G>C on the coding strand, the complement: KMT2D is on the minus strand). VCF-style: chr12-49052559-C-G. GRCh37 (hg19) VCF-style: chr12-49446342-C-G.
Identifiers: ClinVar variation 4280609 (VCV004280609.1).
Genomic context (GRCh38, chr12:49,052,559, plus strand): 5'-CACAAACTGTCTCTTGCCATAGAATAAAAGGGGATGAATTTCAGGGACCCTCAAACCCTA[C>G]TCACCTAGTGGTTTGGCTTCACATTGCAGGGGCCCTGGTTCCTTGGGTTGCATAGAGGTC-3'

ClinVar aggregate classification (germline): Uncertain significance (1 of 4 stars; one submission).

Conditions:
Kabuki syndrome 1 (KABUK1). Also called: KMT2D-Related Kabuki Syndrome. Identifiers: Orphanet 2322, MedGen CN030661, MONDO:0007843, OMIM 147920.

Submission:

Department of Paediatric Medicine, Post Graduation Institute of Medical Education and Research
Classification: Uncertain significance for Kabuki syndrome 1. Last evaluated: 2025-10-01. Review status: criteria provided, single submitter. Criteria: ACMG Guidelines, 2015. Collection method: clinical testing. Allele origin: de novo. Inheritance: Autosomal dominant inheritance. Affected: yes. Observed: 1 variant allele, 1 heterozygote.
Comment: This splice site variant is not reported in gnomAD and 1000G. Insilico analysis is showing damaging effect. Parental segregation analysis was done and the variant was found to be denovo.